The following is an entry in ClinVar:

ClinVar aggregate classification (germline): Pathogenic/Likely pathogenic. Review status: criteria provided, multiple submitters, no conflicts (2 of 4 stars). 2 submissions from 2 submitters: Pathogenic (1); Likely pathogenic (1). Last evaluated 2024-12-08.

Conditions:
Acute infantile liver failure due to synthesis defect of mtDNA-encoded proteins. Also called: LIVER FAILURE, INFANTILE, TRANSIENT; TRMU Deficiency; Liver failure acute infantile. Identifiers: Orphanet 217371, MedGen C3278664, MONDO:0013111, OMIM 613070.
Aminoglycoside-induced deafness. Also called: STREPTOMYCIN OTOTOXICITY; MT-RNR1-Related Hearing Loss and Deafness; DEAFNESS, STREPTOMYCIN-INDUCED. Identifiers: Orphanet 168609, MedGen C1838854, MONDO:0010799, OMIM 580000.

Allele frequency attached by ClinVar (database versions not stated): gnomAD exomes below 0.00001.

Submissions (2):

Natera, Inc.
Classification: Pathogenic for Acute infantile liver failure due to synthesis defect of mtDNA-encoded proteins. Last evaluated: 2024-12-08. Review status: criteria provided, single submitter. Criteria: Natera Variant Classification Schema (03/2026). Collection method: clinical testing. Allele origin: germline.
Comment: The c.706-2A>G variant in TRMU is a canonical splice acceptor site variant predicted to affect pre-mRNA splicing, which may result in an abnormal transcript and altered protein product. This variant is expected to result in nonsense mediated decay, truncation, or a dysfunctional protein product. This variant is rare in the general population with a frequency below the threshold expected for the associated phenotype(s). Another variant at this same site results in an alteration predicted to cause a similar molecular effect has been observed in individual(s) with the associated phenotype. Given the available evidence, this variant is classified as Pathogenic.

Baylor Genetics
Classification: Likely pathogenic for Aminoglycoside-induced deafness. Last evaluated: 2023-09-11. Review status: criteria provided, single submitter. Criteria: ACMG Guidelines, 2015. Collection method: clinical testing. Allele origin: unknown.

NM_018006.5(TRMU):c.706-2A>G

Gene: TRMU (tRNA mitochondrial 2-thiouridylase; plus strand). Cytogenetic location: 22q13.31.
Variant type: single nucleotide variant.
Coding change: c.706-2A>G on transcript NM_018006.5 (MANE Select); the canonical splice acceptor site of the intron before coding-DNA position 706, A replaced by G.
Molecular consequence: splice acceptor variant.
Genome position (GRCh38, 1-based): chr22:46,352,262, A>G. VCF-style: chr22-46352262-A-G. GRCh37 (hg19) VCF-style: chr22-46748159-A-G.
Other names: c.706-2A>G (NM_001282785.2, NM_018006.4); c.364-2A>G (NM_001282782.2); c.286-2A>G (NM_001282783.2, NM_001282784.2).
Identifiers: ClinVar variation 2679275 (VCV002679275.2), dbSNP rs1215799527, ClinGen allele CA411946273.